The following is an entry in ClinVar:

ClinVar aggregate classification (germline): Likely benign (1 of 4 stars; one submission).

gnomAD v4.1: 59 of 1,613,266 alleles (0.0037%); highest among the groups gnomAD compares: South Asian, 0.0088%; no homozygotes.

Submission:

CeGaT Center for Human Genetics Tuebingen
Classification: Likely benign. Last evaluated: 2025-05-01. Review status: criteria provided, single submitter. Criteria: CeGaT Center For Human Genetics Tuebingen Variant Classification Criteria Version 2. Collection method: clinical testing. Allele origin: germline. Affected: yes. Observed: 1 variant allele.
Comment: ANKRD28: BP4, BP7

NM_001349278.2(ANKRD28):c.2067A>G (p.Leu689=)

Genes: ANKRD28 (ankyrin repeat domain 28; minus strand), BTD (biotinidase; plus strand). Cytogenetic location: 3p25.1.
Variant type: single nucleotide variant.
Coding change: c.2067A>G on transcript NM_001349278.2 (MANE Select); coding-DNA position 2067, A replaced by G.
Protein change: p.Leu689=; no amino-acid change (leucine 689 retained).
Molecular consequence: synonymous variant. On other transcripts: non-coding transcript variant (2), intron variant (4).
Genome position (GRCh38, 1-based): chr3:15,686,104, T>C on the plus strand (A>G on the coding strand, the complement: ANKRD28 is on the minus strand). VCF-style: chr3-15686104-T-C. GRCh37 (hg19) VCF-style: chr3-15727611-T-C.
Other names: c.1515A>G, p.Leu505= (NM_001195098.1, NM_001195099.2, NM_001349283.2); c.2076A>G, p.Leu692= (NM_001349277.2); c.1968A>G, p.Leu656= (NM_001349279.2); c.1809A>G, p.Leu603= (NM_001349280.1, NM_001349281.2, NM_001349282.2); c.1977A>G, p.Leu659= (NM_015199.4); c.1016-35666T>C (NM_001370752.1, NM_001407379.1); c.400-24295T>C (NM_001370753.1); c.400-2207T>C (NM_001407400.1).
Identifiers: ClinVar variation 3905171 (VCV003905171.10).
Genomic context (GRCh38, chr3:15,686,104, plus strand): 5'-TACATTTGCTCCTTTGTTCAGCAATGAGTAAACACAGTCTGTGTGCCCGTTGAGAACAGA[T>C]AGCATCAGAGGCGTCCTGAGCAACAACAGGAATAGGTTCAGTGCTGTCACTTAAGACTGT-3'
Protein context (NP_001336207.1, residues 679-699): QDGNGQTPLM[Leu689=]SVLNGHTDCV